The following is an entry in ClinVar:

NM_025114.4(CEP290):c.3561G>A (p.Leu1187=)

Gene: CEP290 (centrosomal protein 290; minus strand). Cytogenetic location: 12q21.32.
Variant type: single nucleotide variant.
Coding change: c.3561G>A on transcript NM_025114.4 (MANE Select); coding-DNA position 3561, G replaced by A.
Protein change: p.Leu1187=; no amino-acid change (leucine 1187 retained).
Molecular consequence: synonymous variant.
Genome position (GRCh38, 1-based): chr12:88,090,740, C>T on the plus strand (G>A on the coding strand, the complement: CEP290 is on the minus strand). VCF-style: chr12-88090740-C-T. GRCh37 (hg19) VCF-style: chr12-88484517-C-T.
Other names: c.3561G>A (NM_025114.3).
Identifiers: ClinVar variation 1121526 (VCV001121526.11), dbSNP rs771857714, ClinGen allele CA6712120.

ClinVar aggregate classification (germline): Likely benign. Review status: criteria provided, single submitter (1 of 4 stars). 2 submissions from 2 submitters: Likely benign (1). 1 of the submissions does not count toward it. Last evaluated 2019-11-12.

Conditions:
Joubert syndrome. Also called: CEREBELLOPARENCHYMAL DISORDER IV; JOUBERT-BOLTSHAUSER SYNDROME; Familial aplasia of the vermis. Identifiers: Orphanet 475, MedGen C5979921, MONDO:0018772.
Nephronophthisis. Also called: Juvenile Nephronophthisis. Identifiers: Orphanet 655, MedGen C0687120, MONDO:0019005, HP:0000090.
Meckel-Gruber syndrome. Also called: DYSENCEPHALIA SPLANCHNOCYSTICA; GRUBER SYNDROME; Dysencephalia splachnocystica. Identifiers: Orphanet 564, MedGen C0265215, MONDO:0018921.
CEP290-related disorder. Also called: CEP290-related disorders; CEP290-related condition. Identifiers: MedGen CN239314.

Allele frequency attached by ClinVar (database versions not stated): gnomAD exomes 0.00001; ExAC 0.00004.
gnomAD v4.1: 4 of 1,551,634 alleles (0.00026%); highest among the groups gnomAD compares: South Asian, 0.0024%; no homozygotes.

Submissions (2):

Labcorp Genetics (formerly Invitae), Labcorp
Classification: Likely benign for Joubert syndrome; Meckel-Gruber syndrome; Nephronophthisis. Last evaluated: 2019-11-12. Review status: criteria provided, single submitter. Criteria: Invitae Variant Classification Sherloc (09022015). Collection method: clinical testing. Allele origin: germline.

PreventionGenetics, part of Exact Sciences
Classification: Likely benign for CEP290-related condition. Last evaluated: 2020-05-12. Review status: no assertion criteria provided. Collection method: clinical testing. Allele origin: germline. Not counted in ClinVar's aggregate classification.
Comment: This variant is classified as likely benign based on ACMG/AMP sequence variant interpretation guidelines (Richards et al. 2015 PMID: 25741868, with internal and published modifications).